The following is an entry in ClinVar:

ClinVar aggregate classification (germline): Uncertain significance (1 of 4 stars; one submission).

gnomAD v4.1: 1 of 1,614,130 alleles (0.000062%); highest among the groups gnomAD compares: South Asian, 0.0011%; no homozygotes.

Submission:

GeneDx
Classification: Uncertain significance. Last evaluated: 2025-02-10. Review status: criteria provided, single submitter. Criteria: GeneDx Variant Classification Process June 2021. Collection method: clinical testing. Allele origin: germline. Affected: yes.
Comment: Not observed at significant frequency in large population cohorts (gnomAD); In silico analysis indicates that this missense variant does not alter protein structure/function; Has not been previously published as pathogenic or benign to our knowledge

NM_001281775.3(ZMYND8):c.1728C>G (p.Phe576Leu)

Gene: ZMYND8 (zinc finger MYND-type containing 8; minus strand). Cytogenetic location: 20q13.12.
Variant type: single nucleotide variant.
Coding change: c.1728C>G on transcript NM_001281775.3 (MANE Select); coding-DNA position 1728, C replaced by G.
Protein change: p.Phe576Leu; replaces phenylalanine 576 with leucine.
Molecular consequence: missense variant.
Genome position (GRCh38, 1-based): chr20:47,249,333, G>C on the plus strand (C>G on the coding strand, the complement: ZMYND8 is on the minus strand). VCF-style: chr20-47249333-G-C. GRCh37 (hg19) VCF-style: chr20-45878077-G-C.
Other names: c.1653C>G, p.Phe551Leu (NM_001281771.3, NM_001281777.3, NM_001281778.3 and 2 more transcripts); c.1668C>G, p.Phe556Leu (NM_001281772.3, NM_001281773.3, NM_001281774.3 and 1 more transcripts); c.1728C>G, p.Phe576Leu (NM_001281776.3, NM_001281783.3, NM_012408.6 and 1 more transcripts); c.924C>G, p.Phe308Leu (NM_001281779.3, NM_001281780.3); c.1512C>G, p.Phe504Leu (NM_001281781.3, NM_001281784.3); c.1749C>G, p.Phe583Leu (NM_001363714.1); short protein forms F308L, F504L, F551L, F556L, F576L, F583L.
Identifiers: ClinVar variation 4074686 (VCV004074686.1).